The following is an entry in ClinVar:

ClinVar aggregate classification (germline): Likely pathogenic (1 of 4 stars; one submission).

Allele frequency attached by ClinVar (database versions not stated): TOPMed below 0.00001.

Submission:

GeneDx
Classification: Likely pathogenic. Last evaluated: 2016-02-21. Review status: criteria provided, single submitter. Criteria: GeneDx Variant Classification (06012015). Collection method: clinical testing. Allele origin: germline. Affected: yes.
Comment: The K3711X variant in the SYNE1 gene has not been reported previously as a pathogenic variant nor as a benign variant, to our knowledge. This variant is predicted to cause loss of normal protein function either through protein truncation or nonsense-mediated mRNA decay. The K3711X variant was not observed in approximately 6500 individuals of European and African American ancestry in the NHLBI Exome Sequencing Project, indicating it is not a common benign variant in these populations. The K3711X variant is a strong candidate for a pathogenic variant, however the possibility it may be a rare benign variant cannot be excluded.

NM_182961.4(SYNE1):c.11176A>T (p.Lys3726Ter)

Gene: SYNE1 (spectrin repeat containing nuclear envelope protein 1; minus strand). Cytogenetic location: 6q25.2.
Variant type: single nucleotide variant.
Coding change: c.11176A>T on transcript NM_182961.4 (MANE Select); coding-DNA position 11176, A replaced by T.
Protein change: p.Lys3726Ter; replaces lysine 3726 with a stop codon.
Molecular consequence: nonsense.
Genome position (GRCh38, 1-based): chr6:152,353,340, T>A on the plus strand (A>T on the coding strand, the complement: SYNE1 is on the minus strand). VCF-style: chr6-152353340-T-A. GRCh37 (hg19) VCF-style: chr6-152674475-T-A.
Other names: c.11131A>T, p.Lys3711Ter (NM_033071.5); short protein forms K3711*, K3726*.
Identifiers: ClinVar variation 383737 (VCV000383737.2), dbSNP rs1057521719, ClinGen allele CA16605054.